The following is an entry in ClinVar:

NM_000545.8(HNF1A):c.1114G>A (p.Ala372Thr)

Gene: HNF1A (HNF1 homeobox A; plus strand). Cytogenetic location: 12q24.31.
Variant type: single nucleotide variant.
Coding change: c.1114G>A on transcript NM_000545.8 (MANE Select); coding-DNA position 1114, G replaced by A.
Protein change: p.Ala372Thr; replaces alanine 372 with threonine.
Molecular consequence: missense variant.
Genome position (GRCh38, 1-based): chr12:120,996,547, G>A. VCF-style: chr12-120996547-G-A. GRCh37 (hg19) VCF-style: chr12-121434350-G-A.
Other names: NM_000545.6(HNF1A):c.1114G>A; p.Ala372Thr; c.1114G>A, p.Ala372Thr (NM_001306179.2); short protein forms A372T.
Identifiers: ClinVar variation 129226 (VCV000129226.8), dbSNP rs587780356, ClinGen allele CA231160.

ClinVar aggregate classification (germline): Uncertain significance. Review status: reviewed by expert panel (3 of 4 stars). 3 submissions from 3 submitters: Uncertain significance (1). 2 of the submissions do not count toward it. Last evaluated 2025-04-11.

Conditions:
Monogenic diabetes. Identifiers: Orphanet 183625, MedGen C3888631, MONDO:0015967.
Maturity-onset diabetes of the young (MODY). Also called: Maturity onset diabetes mellitus in young. Identifiers: Orphanet 552, MedGen C0342276, MONDO:0018911, HP:0004904.

Submissions (3):

ClinGen Monogenic Diabetes Variant Curation Expert Panel
Classification: Uncertain significance for Monogenic diabetes. Last evaluated: 2025-04-11. Review status: reviewed by expert panel. Criteria: ClinGen Diabetes ACMG Specifications HNF1A V2.1.0. Collection method: curation. Allele origin: germline. Inheritance: Autosomal dominant inheritance.
Comment: The c.1114G>A variant in the HNF1 homeobox A gene, HNF1A, causes an amino acid change of alanine to threonine at codon 372 (p.(Ala372Thr)) of NM_000545.8. This variant is absent from gnomAD v2.1.1 and v4.1 (PM2_Supporting). This variant has a REVEL score of 0.371, which is between the ClinGen MDEP thresholds for BP4 and PP3, predicting neither a damaging nor benign impact on HNF1A function. In summary, c.1114G>A meets the criteria to be classified as a variant of uncertain significance for monogenic diabetes. ACMG/AMP criteria applied, as specified by the ClinGen MDEP (specification version 2.1.0, approved 8/11/23): PM2_Supporting.

Genetic Services Laboratory, University of Chicago
Classification: Uncertain significance. Last evaluated: 2013-01-17. Review status: criteria provided, single submitter. Criteria: ACMG Guidelines, 2007. Collection method: clinical testing. Allele origin: germline. Inheritance: Autosomal dominant inheritance. Not counted in ClinVar's aggregate classification.

Clinical Genomics, Uppaluri K&H Personalized Medicine Clinic
Classification: Uncertain risk allele for Maturity-onset diabetes of the young. Review status: criteria provided, single submitter. Criteria: K & H Uppaluri Personalized Medicine Clinic Variant Classification & Assertion Criteria_Updated V.1. Collection method: research. Allele origin: unknown. Inheritance: Autosomal dominant inheritance. Not counted in ClinVar's aggregate classification.
Comment: Mutations in HNF1A gene can predispose to MODY3. It is associated with both micro and macrovascular complications of diabetes, especially cardiovascular complications. Associated with glucosuria. May respond well to sulfonylureas. However, more evidence is required to confer the association of this particular variant rs587780356 with MODY3.

Literature cited by the submitters: PubMed 31517624 (cited by Clinical Genomics, Uppaluri K&H Personalized Medicine Clinic); PubMed 32395877 (cited by Clinical Genomics, Uppaluri K&H Personalized Medicine Clinic); PubMed 35328643 (cited by Clinical Genomics, Uppaluri K&H Personalized Medicine Clinic); PubMed 35673428 (cited by Clinical Genomics, Uppaluri K&H Personalized Medicine Clinic).